The following is an entry in ClinVar:

ClinVar aggregate classification (germline): Uncertain significance (1 of 4 stars; one submission).

Conditions:
Fanconi anemia complementation group E (FANCE). Also called: FANCE-Related Fanconi Anemia. Identifiers: Orphanet 84, MedGen C3160739, MONDO:0010953, OMIM 600901.

Submission:

Labcorp Genetics (formerly Invitae), Labcorp
Classification: Uncertain significance for Fanconi anemia complementation group E. Last evaluated: 2024-03-07. Review status: criteria provided, single submitter. Criteria: Invitae Variant Classification Sherloc (09022015). Collection method: clinical testing. Allele origin: germline.
Comment: This sequence change replaces leucine, which is neutral and non-polar, with proline, which is neutral and non-polar, at codon 114 of the FANCE protein (p.Leu114Pro). This variant is present in population databases (no rsID available, gnomAD 0.0008%). This variant has not been reported in the literature in individuals affected with FANCE-related conditions. An algorithm developed to predict the effect of missense changes on protein structure and function (PolyPhen-2) suggests that this variant is likely to be disruptive. In summary, the available evidence is currently insufficient to determine the role of this variant in disease. Therefore, it has been classified as a Variant of Uncertain Significance.

NM_021922.3(FANCE):c.341_342delinsCT (p.Leu114Pro)

Gene: FANCE (FA complementation group E; plus strand). Cytogenetic location: 6p21.31.
Variant type: Indel.
Coding change: c.341_342delinsCT on transcript NM_021922.3 (MANE Select); coding-DNA positions 341 to 342, TC replaced by CT.
Protein change: p.Leu114Pro; replaces leucine 114 with proline.
Molecular consequence: missense variant.
Genome position (GRCh38, 1-based): chr6:35,455,839-35,455,840, TC replaced by CT. VCF-style: chr6-35455839-TC-CT. GRCh37 (hg19) VCF-style: chr6-35423616-TC-CT.
Other names: c.341_342delinsCT, p.Leu114Pro (NM_001410876.1); short protein forms L114P.
Identifiers: ClinVar variation 3712959 (VCV003712959.2).